The following is an entry in ClinVar:

ClinVar aggregate classification (germline): Pathogenic (1 of 4 stars; one submission).

Conditions:
Hypertrophic cardiomyopathy 26. Also called: Cardiomyopathy, familial hypertrophic, 26. Identifiers: Orphanet 75249, MedGen C4310749, MONDO:0014883, OMIM 617047.
Myofibrillar myopathy 5. Also called: Filaminopathy (type); FILAMINOPATHY, AUTOSOMAL DOMINANT. Identifiers: Orphanet 171445, MedGen C1836050, MONDO:0012289, OMIM 609524.
Distal myopathy with posterior leg and anterior hand involvement. Also called: WILLIAMS DISTAL MYOPATHY. Identifiers: Orphanet 63273, MedGen C3279722, MONDO:0013550, OMIM 614065.

Submission:

Labcorp Genetics (formerly Invitae), Labcorp
Classification: Pathogenic for Distal myopathy with posterior leg and anterior hand involvement; Myofibrillar myopathy 5; Hypertrophic cardiomyopathy 26. Last evaluated: 2025-11-18. Review status: criteria provided, single submitter. Criteria: Invitae Variant Classification Sherloc (09022015). Collection method: clinical testing. Allele origin: germline.
Comment: This sequence change creates a premature translational stop signal (p.Pro516Glnfs*8) in the FLNC gene. It is expected to result in an absent or disrupted protein product. Loss-of-function variants in FLNC are known to be pathogenic (PMID: 27908349). This variant is not present in population databases (gnomAD no frequency). This variant has not been reported in the literature in individuals affected with FLNC-related conditions. For these reasons, this variant has been classified as Pathogenic.

Literature cited by the submitters: PubMed 27908349.

NM_001458.5(FLNC):c.1545del (p.Pro516fs)

Gene: FLNC (filamin C; plus strand). Cytogenetic location: 7q32.1.
Variant type: Deletion.
Coding change: c.1545del on transcript NM_001458.5 (MANE Select); coding-DNA position 1545, one base deleted (G; older notation c.1545delG).
Protein change: p.Pro516fs; shifts the reading frame from proline 516.
Molecular consequence: frameshift variant.
Genome position (GRCh38, 1-based): chr7:128,840,156, G deleted; the last of 4 consecutive G bases (chr7:128,840,153-128,840,156); deleting any one gives the same sequence. VCF-style (leftmost placement, unchanged base first): chr7-128840152-AG-A. GRCh37 (hg19) VCF-style: chr7-128480206-AG-A.
Other names: c.1545del, p.Pro516fs (NM_001127487.2); short protein forms P516fs.
Identifiers: ClinVar variation 4812550 (VCV004812550.1).